The following is an entry in ClinVar:

ClinVar aggregate classification (germline): Uncertain significance. Review status: criteria provided, multiple submitters, no conflicts (2 of 4 stars). 2 submissions from 2 submitters: Uncertain significance (2). Last evaluated 2023-11-22.

Conditions:
Charcot-Marie-Tooth disease axonal type 2C (HMSN2C). Also called: CHARCOT-MARIE-TOOTH DISEASE, AXONAL, AUTOSOMAL DOMINANT, TYPE 2C; Charcot-Marie-Tooth Neuropathy Type 2C; Charcot-Marie-Tooth Disease Type 2, TRPV4-Related (CMT2C). Identifiers: Orphanet 99937, MedGen C1853710, MONDO:0011633, OMIM 606071.
Inborn genetic diseases. Identifiers: MedGen C0950123, MeSH D030342.

Allele frequency attached by ClinVar (database versions not stated): gnomAD 0.00001; gnomAD exomes 0.00001; TOPMed 0.00002.
gnomAD v4.1: 5 of 1,613,978 alleles (0.00031%); highest among the groups gnomAD compares: African/African-American, 0.0053%; no homozygotes.

Submissions (2):

Ambry Genetics
Classification: Uncertain significance for Inborn genetic diseases. Last evaluated: 2023-11-22. Review status: criteria provided, single submitter. Criteria: Ambry Variant Classification Scheme 2023. Collection method: clinical testing. Allele origin: germline.

Labcorp Genetics (formerly Invitae), Labcorp
Classification: Uncertain significance for Charcot-Marie-Tooth disease axonal type 2C. Last evaluated: 2020-01-28. Review status: criteria provided, single submitter. Criteria: Invitae Variant Classification Sherloc (09022015). Collection method: clinical testing. Allele origin: germline.
Comment: In summary, the available evidence is currently insufficient to determine the role of this variant in disease. Therefore, it has been classified as a Variant of Uncertain Significance. Algorithms developed to predict the effect of missense changes on protein structure and function (SIFT, PolyPhen-2, Align-GVGD) all suggest that this variant is likely to be tolerated, but these predictions have not been confirmed by published functional studies and their clinical significance is uncertain. This variant has not been reported in the literature in individuals with TRPV4-related conditions. This variant is not present in population databases (ExAC no frequency). This sequence change replaces arginine with leucine at codon 76 of the TRPV4 protein (p.Arg76Leu). The arginine residue is weakly conserved and there is a moderate physicochemical difference between arginine and leucine.

NM_021625.5(TRPV4):c.227G>T (p.Arg76Leu)

Gene: TRPV4 (transient receptor potential cation channel subfamily V member 4; minus strand). Cytogenetic location: 12q24.11.
Variant type: single nucleotide variant.
Coding change: c.227G>T on transcript NM_021625.5 (MANE Select); coding-DNA position 227, G replaced by T.
Protein change: p.Arg76Leu; replaces arginine 76 with leucine.
Molecular consequence: missense variant.
Genome position (GRCh38, 1-based): chr12:109,814,570, C>A on the plus strand (G>T on the coding strand, the complement: TRPV4 is on the minus strand). VCF-style: chr12-109814570-C-A. GRCh37 (hg19) VCF-style: chr12-110252375-C-A.
Other names: c.227G>T, p.Arg76Leu (NM_001177428.2, NM_001177433.2, NM_147204.3); c.125G>T, p.Arg42Leu (NM_001177431.2); short protein forms R76L, R42L.
Identifiers: ClinVar variation 968622 (VCV000968622.10), dbSNP rs1435404361, ClinGen allele CA386660553.
Genomic context (GRCh38, chr12:109,814,570, plus strand): 5'-ACCACCGAGGACTCATATAGGGTGGACTCCAGCAGATCGATGGGGTTGGGCACCCCCTTG[C>A]GGAAGGCGCCCTGGAACTTCATGCGCAGATTTGGTCGCCCATCGCCTGGGCCAGCAGGGC-3'
Protein context (NP_067638.3, residues 66-86): NLRMKFQGAF[Arg76Leu]KGVPNPIDLL